The following is an entry in ClinVar:

NM_001077350.3(NPRL3):c.1201C>T (p.Arg401Trp)

Genes: HBA-LCR (alpha-globin locus control region; plus strand), NPRL3 (NPR3 like, GATOR1 complex subunit; minus strand). Cytogenetic location: 16p13.3.
Variant type: single nucleotide variant.
Coding change: c.1201C>T on transcript NM_001077350.3 (MANE Select); coding-DNA position 1201, C replaced by T.
Protein change: p.Arg401Trp; replaces arginine 401 with tryptophan.
Molecular consequence: missense variant.
Genome position (GRCh38, 1-based): chr16:89,863, G>A on the plus strand (C>T on the coding strand, the complement: NPRL3 is on the minus strand). VCF-style: chr16-89863-G-A. GRCh37 (hg19) VCF-style: chr16-139861-G-A.
Other names: c.664C>T, p.Arg222Trp (NM_001039476.3); c.967C>T, p.Arg323Trp (NM_001243247.2); c.1126C>T, p.Arg376Trp (NM_001243248.2, NM_001243249.2); short protein forms R222W, R401W, R323W, R376W.
Identifiers: ClinVar variation 640170 (VCV000640170.11), dbSNP rs375530015, ClinGen allele CA7769413.

ClinVar aggregate classification (germline): Uncertain significance. Review status: criteria provided, multiple submitters, no conflicts (2 of 4 stars). 3 submissions from 3 submitters: Uncertain significance (3). Last evaluated 2019-09-17.

Conditions:
Epilepsy, familial focal, with variable foci 3 (FFEVF3). Identifiers: MedGen C4310708, MONDO:0014925, OMIM 617118.

Allele frequency attached by ClinVar (database versions not stated): gnomAD 0.00001 and 0.00003; TOPMed 0.00001; gnomAD exomes 0.00002; ExAC 0.00004; ESP Exome Variant Server 0.00008; 1000 Genomes Project 0.00020; 1000 Genomes Project 30x 0.00031.

Submissions (3):

GeneDx
Classification: Uncertain significance. Last evaluated: 2019-09-17. Review status: criteria provided, single submitter. Criteria: GeneDx Variant Classification Process June 2021. Collection method: clinical testing. Allele origin: germline. Affected: yes.
Comment: In silico analysis, which includes protein predictors and evolutionary conservation, supports a deleterious effect; Has not been previously published as pathogenic or benign to our knowledge

Labcorp Genetics (formerly Invitae), Labcorp
Classification: Uncertain significance for Epilepsy, familial focal, with variable foci 3. Last evaluated: 2018-12-15. Review status: criteria provided, single submitter. Criteria: Invitae Variant Classification Sherloc (09022015). Collection method: clinical testing. Allele origin: germline.
Comment: In summary, the available evidence is currently insufficient to determine the role of this variant in disease. Therefore, it has been classified as a Variant of Uncertain Significance. Algorithms developed to predict the effect of missense changes on protein structure and function are either unavailable or do not agree on the potential impact of this missense change (SIFT: "Deleterious"; PolyPhen-2: "Not available"; Align-GVGD: "Class 0"). This variant has not been reported in the literature in individuals with NPRL3-related conditions. This variant is present in population databases (rs375530015, ExAC 0.008%). This sequence change replaces arginine with tryptophan at codon 401 of the NPRL3 protein (p.Arg401Trp). The arginine residue is moderately conserved and there is a moderate physicochemical difference between arginine and tryptophan.

Juno Genomics, Hangzhou Juno Genomics, Inc
Classification: Uncertain significance for Epilepsy, familial focal, with variable foci 3. Review status: criteria provided, single submitter. Criteria: ACMG Guidelines, 2015. Collection method: clinical testing. Allele origin: germline.
Comment: Absent from controls (or at extremely low frequency if recessive) in Genome Aggregation Database.